The following is an entry in ClinVar:

NM_001375524.1(TRRAP):c.11423C>T (p.Ser3808Leu)

Gene: TRRAP (transformation/transcription domain associated protein; plus strand). Cytogenetic location: 7q22.1.
Variant type: single nucleotide variant.
Coding change: c.11423C>T on transcript NM_001375524.1 (MANE Select); coding-DNA position 11423, C replaced by T.
Protein change: p.Ser3808Leu; replaces serine 3808 with leucine.
Molecular consequence: missense variant.
Genome position (GRCh38, 1-based): chr7:99,012,156, C>T. VCF-style: chr7-99012156-C-T. GRCh37 (hg19) VCF-style: chr7-98609779-C-T.
Other names: c.11381C>T, p.Ser3794Leu (NM_001244580.2); c.11294C>T, p.Ser3765Leu (NM_003496.4); short protein forms S3794L, S3765L, S3808L.
Identifiers: ClinVar variation 2462732 (VCV002462732.3), dbSNP rs138013956, ClinGen allele CA4362173.

ClinVar aggregate classification (germline): Conflicting classifications of pathogenicity. Review status: criteria provided, conflicting classifications (1 of 4 stars). 2 submissions from 2 submitters: Uncertain significance (1); Likely benign (1). Last evaluated 2025-01-27.

Conditions:
Inborn genetic diseases. Identifiers: MedGen C0950123, MeSH D030342.

Allele frequency attached by ClinVar (database versions not stated): gnomAD exomes 0.00001; ExAC 0.00003; gnomAD 0.00004; TOPMed 0.00004; ESP Exome Variant Server 0.00008.
gnomAD v4.1: 21 of 1,614,116 alleles (0.0013%); highest among the groups gnomAD compares: African/African-American, 0.0093%; no homozygotes.

Submissions (2):

Labcorp Genetics (formerly Invitae), Labcorp
Classification: Uncertain significance. Last evaluated: 2025-01-27. Review status: criteria provided, single submitter. Criteria: Invitae Variant Classification Sherloc (09022015). Collection method: clinical testing. Allele origin: germline.
Comment: This sequence change replaces serine, which is neutral and polar, with leucine, which is neutral and non-polar, at codon 3765 of the TRRAP protein (p.Ser3765Leu). This variant is present in population databases (rs138013956, gnomAD 0.02%). This variant has not been reported in the literature in individuals affected with TRRAP-related conditions. ClinVar contains an entry for this variant (Variation ID: 2462732). An algorithm developed to predict the effect of missense changes on protein structure and function (PolyPhen-2) suggests that this variant¬†is likely to be tolerated. In summary, the available evidence is currently insufficient to determine the role of this variant in disease. Therefore, it has been classified as a Variant of Uncertain Significance.

Ambry Genetics
Classification: Likely benign for Inborn genetic diseases. Last evaluated: 2023-01-26. Review status: criteria provided, single submitter. Criteria: Ambry Variant Classification Scheme 2023. Collection method: clinical testing. Allele origin: germline.